The following is an entry in ClinVar:

ClinVar aggregate classification (germline): Uncertain significance. Review status: criteria provided, multiple submitters, no conflicts (2 of 4 stars). 3 submissions from 3 submitters: Uncertain significance (3). Last evaluated 2024-08-05.

Conditions:
Usher syndrome type 2C. Also called: Usher syndrome, type 2B; USHER SYNDROME, TYPE IIC. Identifiers: Orphanet 231178, Orphanet 886, MedGen C2931213, MONDO:0011558, OMIM 605472.

Allele frequency attached by ClinVar (database versions not stated): gnomAD 0.00001; gnomAD exomes 0.00001; TOPMed 0.00001.
gnomAD v4.1: 12 of 1,613,716 alleles (0.00074%); highest among the groups gnomAD compares: Non-Finnish European, 0.00093%; no homozygotes.

Submissions (3):

Blueprint Genetics
Classification: Uncertain significance. Last evaluated: 2024-08-05. Review status: criteria provided, single submitter. Criteria: ACMG Guidelines, 2015. Collection method: clinical testing. Allele origin: germline.

Labcorp Genetics (formerly Invitae), Labcorp
Classification: Uncertain significance. Last evaluated: 2022-03-09. Review status: criteria provided, single submitter. Criteria: Invitae Variant Classification Sherloc (09022015). Collection method: clinical testing. Allele origin: germline.
Comment: This sequence change replaces threonine, which is neutral and polar, with isoleucine, which is neutral and non-polar, at codon 2467 of the ADGRV1 protein (p.Thr2467Ile). This variant is not present in population databases (gnomAD no frequency). This variant has not been reported in the literature in individuals affected with ADGRV1-related conditions. ClinVar contains an entry for this variant (Variation ID: 1065693). Algorithms developed to predict the effect of missense changes on protein structure and function are either unavailable or do not agree on the potential impact of this missense change (SIFT: "Deleterious"; PolyPhen-2: "Benign"; Align-GVGD: "Class C0"). In summary, the available evidence is currently insufficient to determine the role of this variant in disease. Therefore, it has been classified as a Variant of Uncertain Significance.

Ocular Genomics Institute, Massachusetts Eye and Ear
Classification: Uncertain significance for Usher syndrome type 2C. Last evaluated: 2021-04-08. Review status: criteria provided, single submitter. Criteria: ACMG Guidelines, 2015. Collection method: research. Allele origin: germline. Affected: yes.
Comment: Through a review of available evidence we were able to apply the following criteria: PM2. Based on this evidence we have classified this variant as Variant of Uncertain Significance.

NM_032119.4(ADGRV1):c.7400C>T (p.Thr2467Ile)

Gene: ADGRV1 (adhesion G protein-coupled receptor V1; plus strand). Cytogenetic location: 5q14.3.
Variant type: single nucleotide variant.
Coding change: c.7400C>T on transcript NM_032119.4 (MANE Select); coding-DNA position 7400, C replaced by T.
Protein change: p.Thr2467Ile; replaces threonine 2467 with isoleucine.
Molecular consequence: missense variant. On other transcripts: non-coding transcript variant (1).
Genome position (GRCh38, 1-based): chr5:90,694,156, C>T. VCF-style: chr5-90694156-C-T. GRCh37 (hg19) VCF-style: chr5-89989973-C-T.
Other names: short protein forms T2467I.
Identifiers: ClinVar variation 1065693 (VCV001065693.5), dbSNP rs1746861436, ClinGen allele CA360377056.